The following is an entry in ClinVar:

NM_002095.6(GTF2E2):c.137G>C (p.Gly46Ala)

Gene: GTF2E2 (general transcription factor IIE subunit 2; minus strand). Cytogenetic location: 8p12.
Variant type: single nucleotide variant.
Coding change: c.137G>C on transcript NM_002095.6 (MANE Select); coding-DNA position 137, G replaced by C.
Protein change: p.Gly46Ala; replaces glycine 46 with alanine.
Molecular consequence: missense variant.
Genome position (GRCh38, 1-based): chr8:30,653,462, C>G on the plus strand (G>C on the coding strand, the complement: GTF2E2 is on the minus strand). VCF-style: chr8-30653462-C-G. GRCh37 (hg19) VCF-style: chr8-30510979-C-G.
Other names: c.137G>C, p.Gly46Ala (NM_001348353.1); short protein forms G46A.
Identifiers: ClinVar variation 2121076 (VCV002121076.4), dbSNP rs543436891, ClinGen allele CA4701095.

ClinVar aggregate classification (germline): Uncertain significance (1 of 4 stars; one submission).

Allele frequency attached by ClinVar (database versions not stated): TOPMed below 0.00001.
gnomAD v4.1: 3 of 1,613,772 alleles (0.00019%); highest among the groups gnomAD compares: South Asian, 0.0033%; no homozygotes.

Submission:

Labcorp Genetics (formerly Invitae), Labcorp
Classification: Uncertain significance. Last evaluated: 2022-04-25. Review status: criteria provided, single submitter. Criteria: Invitae Variant Classification Sherloc (09022015). Collection method: clinical testing. Allele origin: germline.
Comment: In summary, the available evidence is currently insufficient to determine the role of this variant in disease. Therefore, it has been classified as a Variant of Uncertain Significance. Algorithms developed to predict the effect of missense changes on protein structure and function (SIFT, PolyPhen-2, Align-GVGD) all suggest that this variant is likely to be tolerated. This variant has not been reported in the literature in individuals affected with GTF2E2-related conditions. This variant is present in population databases (rs543436891, gnomAD 0.007%). This sequence change replaces glycine, which is neutral and non-polar, with alanine, which is neutral and non-polar, at codon 46 of the GTF2E2 protein (p.Gly46Ala).